The following is an entry in ClinVar:

NM_001243279.3(ACSF3):c.295_296del (p.Ser99fs)

Gene: ACSF3 (acyl-CoA synthetase family member 3; plus strand). Cytogenetic location: 16q24.3.
Variant type: Microsatellite.
Coding change: c.295_296del on transcript NM_001243279.3 (MANE Select); coding-DNA positions 295 to 296, 2 bases deleted (TC; older notation c.295_296delTC).
Protein change: p.Ser99fs; shifts the reading frame from serine 99.
Molecular consequence: frameshift variant. On other transcripts: non-coding transcript variant (3), intron variant (1).
Genome position (GRCh38, 1-based): chr16:89,100,976-89,100,977, TC deleted; deleting any 2 consecutive bases within chr16:89,100,974-89,100,977 gives the same sequence; the c. name uses the placement nearest the transcript's 3' end. VCF-style (leftmost placement, unchanged base first): chr16-89100973-GTC-G. GRCh37 (hg19) VCF-style: chr16-89167381-GTC-G.
Other names: c.295_296del, p.Ser99fs (NM_001127214.4, NM_174917.5); c.-129-1628_-129-1627del (NM_001284316.2); short protein forms S99fs.
Identifiers: ClinVar variation 2004584 (VCV002004584.4), dbSNP rs2543521355, ClinGen allele CA2580613922.

ClinVar aggregate classification (germline): Pathogenic (1 of 4 stars; one submission).

Conditions:
Combined malonic and methylmalonic acidemia. Identifiers: Orphanet 289504, MedGen C3280314, MONDO:0013661, OMIM 614265.

Submission:

Labcorp Genetics (formerly Invitae), Labcorp
Classification: Pathogenic for Combined malonic and methylmalonic acidemia. Last evaluated: 2022-06-22. Review status: criteria provided, single submitter. Criteria: Invitae Variant Classification Sherloc (09022015). Collection method: clinical testing. Allele origin: germline.
Comment: This variant has not been reported in the literature in individuals affected with ACSF3-related conditions. For these reasons, this variant has been classified as Pathogenic. This sequence change creates a premature translational stop signal (p.Ser99Leufs*5) in the ACSF3 gene. It is expected to result in an absent or disrupted protein product. Loss-of-function variants in ACSF3 are known to be pathogenic (PMID: 21841779, 26827111). This variant is not present in population databases (gnomAD no frequency).

Literature cited by the submitters: PubMed 21841779; PubMed 26827111.